The following is an entry in ClinVar:

NM_020778.5(ALPK3):c.2026G>T (p.Ala676Ser)

Gene: ALPK3 (alpha kinase 3; plus strand). Cytogenetic location: 15q25.3.
Variant type: single nucleotide variant.
Coding change: c.2026G>T on transcript NM_020778.5 (MANE Select); coding-DNA position 2026, G replaced by T.
Protein change: p.Ala676Ser; replaces alanine 676 with serine.
Molecular consequence: missense variant.
Genome position (GRCh38, 1-based): chr15:84,856,764, G>T. VCF-style: chr15-84856764-G-T. GRCh37 (hg19) VCF-style: chr15-85399995-G-T.
Other names: short protein forms A676S.
Identifiers: ClinVar variation 2989231 (VCV002989231.3), dbSNP rs1196930996, ClinGen allele CA393355652.
Genomic context (GRCh38, chr15:84,856,764, plus strand): 5'-AGTGCACAGAAGGGCATGATGACACAGGGAAGGGCAGAGACACAGCTAGAAACAACACAG[G>T]CAGGTGAGAAGATACAGGAAGACAGGAAGGCCCAGGCAGATAAGGGCACACAGGAAGACA-3'
Protein context (NP_065829.4, residues 666-686): RAETQLETTQ[Ala676Ser]GEKIQEDRKA

ClinVar aggregate classification (germline): Uncertain significance (1 of 4 stars; one submission).

Allele frequency attached by ClinVar (database versions not stated): TOPMed below 0.00001.
gnomAD v4.1: 1 of 1,614,082 alleles (0.000062%); highest among the groups gnomAD compares: Non-Finnish European, 0.000085%; no homozygotes.

Submission:

Labcorp Genetics (formerly Invitae), Labcorp
Classification: Uncertain significance. Last evaluated: 2024-01-05. Review status: criteria provided, single submitter. Criteria: Invitae Variant Classification Sherloc (09022015). Collection method: clinical testing. Allele origin: germline.
Comment: This sequence change replaces alanine, which is neutral and non-polar, with serine, which is neutral and polar, at codon 878 of the ALPK3 protein (p.Ala878Ser). This variant is not present in population databases (gnomAD no frequency). This variant has not been reported in the literature in individuals affected with ALPK3-related conditions. An algorithm developed to predict the effect of missense changes on protein structure and function (PolyPhen-2) suggests that this variant is likely to be disruptive. In summary, the available evidence is currently insufficient to determine the role of this variant in disease. Therefore, it has been classified as a Variant of Uncertain Significance.